The following is an entry in ClinVar:

NC_000016.9:g.(?_89167090)_(89357611_?)dup

Genes: ACSF3 (acyl-CoA synthetase family member 3; plus strand), ANKRD11 (ankyrin repeat domain 11; minus strand), CDH15 (cadherin 15; plus strand), SLC22A31 (solute carrier family 22 member 31; minus strand), ZNF778 (zinc finger protein 778; plus strand). Cytogenetic location: 16q24.3.
Variant type: Duplication.
Identifiers: ClinVar variation 2425845 (VCV002425845.4).

ClinVar aggregate classification (germline): Uncertain significance (1 of 4 stars; one submission).

Conditions:
KBG syndrome (KBGS). Also called: ANKRD11-Related KBG Syndrome. Identifiers: Orphanet 2332, MedGen C0220687, MONDO:0007846, OMIM 148050.

Submission:

Labcorp Genetics (formerly Invitae), Labcorp
Classification: Uncertain significance for KBG syndrome. Last evaluated: 2022-06-15. Review status: criteria provided, single submitter. Criteria: Invitae Variant Classification Sherloc (09022015). Collection method: clinical testing. Allele origin: germline.
Comment: This variant is a gross deletion of the genomic region encompassing exon(s) 5-13 of the ANKRD11 gene, which includes the termination codon. This deletion extends beyond the assayed region for this gene and therefore may encompass additional genes. While this deletion is not anticipated to lead to nonsense mediated decay, it is expected to alter mRNA translation or result in a truncated protein product. This variant has not been reported in the literature in individuals affected with ANKRD11-related conditions. In summary, the available evidence is currently insufficient to determine the role of this variant in disease. Therefore, it has been classified as a Variant of Uncertain Significance.